The following is an entry in ClinVar:

ClinVar aggregate classification (germline): Conflicting classifications of pathogenicity. Review status: criteria provided, conflicting classifications (1 of 4 stars). 4 submissions from 4 submitters: Uncertain significance (3); Likely benign (1). Last evaluated 2025-04-28.

Conditions:
Neurofibromatosis, type 1 (NF1). Also called: NEUROFIBROMATOSIS, TYPE I, SOMATIC; Peripheral type neurofibromatosis; Neurofibromatosis, type I; VON RECKLINGHAUSEN DISEASE. Identifiers: Orphanet 636, MedGen C0027831, MONDO:0018975, OMIM 162200. Disease mechanism: loss of function.
Hereditary cancer-predisposing syndrome. Also called: Neoplastic Syndromes, Hereditary; Hereditary neoplastic syndrome; Tumor predisposition; Hereditary Cancer Syndrome. Identifiers: Orphanet 140162, MedGen C0027672, MeSH D009386, MONDO:0015356.
Cardiovascular phenotype. Identifiers: MedGen CN230736.

Submissions (4):

Labcorp Genetics (formerly Invitae), Labcorp
Classification: Likely benign for Neurofibromatosis, type 1. Last evaluated: 2025-04-28. Review status: criteria provided, single submitter. Criteria: Invitae Variant Classification Sherloc (09022015). Collection method: clinical testing. Allele origin: germline.

Ambry Genetics
Classification: Uncertain significance for Cardiovascular phenotype; Hereditary cancer-predisposing syndrome. Last evaluated: 2024-03-09. Review status: criteria provided, single submitter. Criteria: Ambry Variant Classification Scheme 2023. Collection method: clinical testing. Allele origin: germline.
Comment: The p.S2805T variant (also known as c.8414G>C), located in coding exon 57 of the NF1 gene, results from a G to C substitution at nucleotide position 8414. The serine at codon 2805 is replaced by threonine, an amino acid with similar properties. This amino acid position is conserved. In addition, this alteration is predicted to be tolerated by in silico analysis. Based on the available evidence, the clinical significance of this alteration remains unclear.

Genome-Nilou Lab
Classification: Uncertain significance for Neurofibromatosis, type 1. Last evaluated: 2022-03-15. Review status: criteria provided, single submitter. Criteria: ACMG Guidelines, 2015. Collection method: clinical testing. Allele origin: germline. Affected: no.

GeneDx
Classification: Uncertain significance. Last evaluated: 2016-10-05. Review status: criteria provided, single submitter. Criteria: GeneDx Variant Classification (06012015). Collection method: clinical testing. Allele origin: germline. Affected: yes.
Comment: This variant is denoted NF1 c.8414G>C at the cDNA level, p.Ser2805Thr (S2805T) at the proteinlevel, and results in the change of a Serine to a Threonine (AGC>ACC). This variant has not, to ourknowledge, been published in the literature as pathogenic or benign. NF1 Ser2805Thr was not observedin approximately 6,500 individuals of European and African American ancestry in the NHLBI ExomeSequencing Project, suggesting it is not a common benign variant in these populations. Since Serineand Threonine share similar properties, this is considered a conservative amino acid substitution. NF1Ser2805Thr occurs at a position that is conserved across species and is not located in a knownfunctional domain. In silico analyses are inconsistent regarding the effect this variant may have onprotein structure and function. Based on currently available evidence, it is unclear whether NF1Ser2805Thr is a pathogenic or benign variant. We consider it to be a variant of uncertain significance.

NM_001042492.3(NF1):c.8477G>C (p.Ser2826Thr)

Gene: NF1 (neurofibromin 1; plus strand). Cytogenetic location: 17q11.2.
Variant type: single nucleotide variant.
Coding change: c.8477G>C on transcript NM_001042492.3 (MANE Select); coding-DNA position 8477, G replaced by C.
Protein change: p.Ser2826Thr; replaces serine 2826 with threonine.
Molecular consequence: missense variant.
Genome position (GRCh38, 1-based): chr17:31,374,112, G>C. VCF-style: chr17-31374112-G-C. GRCh37 (hg19) VCF-style: chr17-29701130-G-C.
Other names: c.8414G>C, p.Ser2805Thr (NM_000267.4); short protein forms S2805T, S2826T.
Identifiers: ClinVar variation 389587 (VCV000389587.10), dbSNP rs1057523477, ClinGen allele CA16608394.